The following is an entry in ClinVar:

NM_001352186.2(ANKS1B):c.1348A>G (p.Asn450Asp)

Gene: ANKS1B (ankyrin repeat and sterile alpha motif domain containing 1B; minus strand). Cytogenetic location: 12q23.1.
Variant type: single nucleotide variant.
Coding change: c.1348A>G on transcript NM_001352186.2 (MANE Select); coding-DNA position 1348, A replaced by G.
Protein change: p.Asn450Asp; replaces asparagine 450 with aspartic acid.
Molecular consequence: missense variant.
Genome position (GRCh38, 1-based): chr12:99,504,566, T>C on the plus strand (A>G on the coding strand, the complement: ANKS1B is on the minus strand). VCF-style: chr12-99504566-T-C. GRCh37 (hg19) VCF-style: chr12-99898344-T-C.
Other names: c.1348A>G, p.Asn450Asp (NM_001352185.1, NM_001352187.1, NM_001352188.1 and 1 more transcripts); short protein forms N450D.
Identifiers: ClinVar variation 3661274 (VCV003661274.2).
Genomic context (GRCh38, chr12:99,504,566, plus strand): 5'-CTAAGGAGCAAGGTTTCTTTGTAACAGCTGTGTCCATGAGATCACACAGAAAGTTCTCAT[T>C]TTCTGAAGGAAATGTATCCAGAGAAGCAGATGGTACAATTTCCATAGTGTAATTTCTCTT-3'
Protein context (NP_001339115.1, residues 440-460): SASLDTFPSE[Asn450Asp]ENFLCDLMDT

ClinVar aggregate classification (germline): Uncertain significance (1 of 4 stars; one submission).

gnomAD v4.1: 5 of 1,612,696 alleles (0.00031%); highest among the groups gnomAD compares: African/African-American, 0.0067%; no homozygotes.

Submission:

Labcorp Genetics (formerly Invitae), Labcorp
Classification: Uncertain significance. Last evaluated: 2024-08-09. Review status: criteria provided, single submitter. Criteria: Invitae Variant Classification Sherloc (09022015). Collection method: clinical testing. Allele origin: germline.
Comment: This sequence change replaces asparagine, which is neutral and polar, with aspartic acid, which is acidic and polar, at codon 450 of the ANKS1B protein (p.Asn450Asp). This variant is present in population databases (no rsID available, gnomAD 0.01%). This variant has not been reported in the literature in individuals affected with ANKS1B-related conditions. An algorithm developed to predict the effect of missense changes on protein structure and function (PolyPhen-2) suggests that this variant is likely to be tolerated. In summary, the available evidence is currently insufficient to determine the role of this variant in disease. Therefore, it has been classified as a Variant of Uncertain Significance.